The following is an entry in ClinVar:

ClinVar aggregate classification (germline): Uncertain significance (1 of 4 stars; one submission).

Conditions:
Inborn genetic diseases. Identifiers: MedGen C0950123, MeSH D030342.

Allele frequency attached by ClinVar (database versions not stated): gnomAD exomes below 0.00001.
gnomAD v4.1: 1 of 1,613,266 alleles (0.000062%); highest among the groups gnomAD compares: Non-Finnish European, 0.000085%; no homozygotes.

Submission:

Ambry Genetics
Classification: Uncertain significance for Inborn genetic diseases. Last evaluated: 2021-12-15. Review status: criteria provided, single submitter. Criteria: Ambry Variant Classification Scheme 2023. Collection method: clinical testing. Allele origin: germline.
Comment: The p.E270K variant (also known as c.808G>A), located in coding exon 7 of the EPAS1 gene, results from a G to A substitution at nucleotide position 808. The glutamic acid at codon 270 is replaced by lysine, an amino acid with similar properties. This amino acid position is conserved. In addition, this alteration is predicted to be tolerated by in silico analysis. Since supporting evidence is limited at this time, the clinical significance of this alteration remains unclear.

NM_001430.5(EPAS1):c.808G>A (p.Glu270Lys)

Gene: EPAS1 (endothelial PAS domain protein 1; plus strand). Cytogenetic location: 2p21.
Variant type: single nucleotide variant.
Coding change: c.808G>A on transcript NM_001430.5 (MANE Select); coding-DNA position 808, G replaced by A.
Protein change: p.Glu270Lys; replaces glutamic acid 270 with lysine.
Molecular consequence: missense variant.
Genome position (GRCh38, 1-based): chr2:46,369,855, G>A. VCF-style: chr2-46369855-G-A. GRCh37 (hg19) VCF-style: chr2-46596994-G-A.
Other names: short protein forms E270K.
Identifiers: ClinVar variation 1761939 (VCV001761939.2), dbSNP rs2546464173, ClinGen allele CA346701635.